The following is an entry in ClinVar:

ClinVar aggregate classification (germline): Benign/Likely benign. Review status: criteria provided, multiple submitters, no conflicts (2 of 4 stars). 11 submissions from 11 submitters: Benign (5); Likely benign (6). Last evaluated 2026-05-11.

Conditions:
Neurofibromatosis, type 1 (NF1). Also called: VON RECKLINGHAUSEN DISEASE; NEUROFIBROMATOSIS, TYPE I, SOMATIC; Neurofibromatosis, type I; Peripheral type neurofibromatosis. Identifiers: Orphanet 636, MedGen C0027831, MONDO:0018975, OMIM 162200. Disease mechanism: loss of function.
Hereditary cancer-predisposing syndrome. Also called: Neoplastic Syndromes, Hereditary; Hereditary Cancer Syndrome; Hereditary neoplastic syndrome; Tumor predisposition. Identifiers: Orphanet 140162, MedGen C0027672, MeSH D009386, MONDO:0015356.

Submissions (11):

Myriad Genetics, Inc.
Classification: Likely benign for Neurofibromatosis, type 1. Last evaluated: 2026-05-11. Review status: criteria provided, single submitter. Criteria: Myriad Autosomal Dominant, Autosomal Recessive and X-Linked Classification Criteria (2023). Collection method: clinical testing. Allele origin: unknown.
Comment: This variant is considered likely benign. This variant is intronic and is not expected to impact mRNA splicing.

Women's Health and Genetics/Laboratory Corporation of America, LabCorp
Classification: Likely benign. Last evaluated: 2026-04-16. Review status: criteria provided, single submitter. Criteria: LabCorp Variant Classification Summary - May 2015. Collection method: clinical testing. Allele origin: germline.
Comment: Variant summary: NF1 c.61-4dupT alters a nucleotide located at a position not widely known to affect splicing. Consensus agreement among computation tools predict no significant impact on normal splicing. However, these predictions have yet to be confirmed by functional studies. The variant allele was found at a frequency of 0.00063 in 1527950 control chromosomes in the gnomAD database, including 5 homozygotes. The observed variant frequency exceeds the estimated maximal expected allele frequency for disease-causing variants in NF1. However, this observation needs to be cautiously considered since sequence alignment analysis suggests that the variant lies within a region of the gene that has high homology with a pseudogene. To our knowledge, no occurrence of c.61-4dupT in individuals affected with NF1-related conditions and no experimental evidence demonstrating its impact on protein function have been reported. ClinVar contains an entry for this variant (Variation ID: 1197213). Based on the evidence outlined above, the variant was classified as likely benign.

Dasa
Classification: Likely benign. Last evaluated: 2026-04-07. Review status: criteria provided, single submitter. Criteria: DASA Assertion Criteria. Collection method: clinical testing. Allele origin: germline.
Comment: NM_001042492.3(NF1):c.61-4dup is a splice-region variant. Population frequency is inconsistent with a disease-causing role for this variant, and observations in unaffected individuals support a benign interpretation. Computational prediction algorithms are consistent with a benign effect. Therefore, based on the currently available evidence, this variant is classified as likely benign.

CeGaT Center for Human Genetics Tuebingen
Classification: Likely benign. Last evaluated: 2025-11-01. Review status: criteria provided, single submitter. Criteria: CeGaT Center For Human Genetics Tuebingen Variant Classification Criteria Version 2. Collection method: clinical testing. Allele origin: germline. Affected: yes. Observed: 3 variant alleles.
Comment: NF1: BP4, BS1

Blueprint Genetics
Classification: Likely benign. Last evaluated: 2024-11-13. Review status: criteria provided, single submitter. Criteria: ACMG Guidelines, 2015. Collection method: clinical testing. Allele origin: germline.

Department of Pathology and Laboratory Medicine, Sinai Health System
Classification: Benign for Neurofibromatosis, type 1. Last evaluated: 2023-08-28. Review status: criteria provided, single submitter. Criteria: ACMG Guidelines, 2015. Collection method: clinical testing. Allele origin: germline. Affected: yes.

ARUP Laboratories, Molecular Genetics and Genomics, ARUP Laboratories
Classification: Benign. Last evaluated: 2023-01-06. Review status: criteria provided, single submitter. Criteria: ARUP Molecular Germline Variant Investigation Process 2024. Collection method: clinical testing. Allele origin: germline.

Labcorp Genetics (formerly Invitae), Labcorp
Classification: Benign for Neurofibromatosis, type 1. Last evaluated: 2022-08-15. Review status: criteria provided, single submitter. Criteria: Invitae Variant Classification Sherloc (09022015). Collection method: clinical testing. Allele origin: germline.

Genome-Nilou Lab
Classification: Benign for Neurofibromatosis, type 1. Last evaluated: 2022-03-15. Review status: criteria provided, single submitter. Criteria: ACMG Guidelines, 2015. Collection method: clinical testing. Allele origin: germline. Affected: no.

GeneDx
Classification: Likely benign. Last evaluated: 2021-10-19. Review status: criteria provided, single submitter. Criteria: GeneDx Variant Classification Process June 2021. Collection method: clinical testing. Allele origin: germline. Affected: yes.

Sema4
Classification: Benign for Hereditary cancer-predisposing syndrome. Last evaluated: 2020-07-07. Review status: criteria provided, single submitter. Criteria: Sema4 Curation Guidelines. Collection method: curation. Allele origin: germline.

Literature cited by the submitters: PubMed 10678181 (cited by Women's Health and Genetics/Laboratory Corporation of America, LabCorp); PubMed 23460398 (cited by Women's Health and Genetics/Laboratory Corporation of America, LabCorp); PubMed 27069254 (cited by Women's Health and Genetics/Laboratory Corporation of America, LabCorp).

NM_001042492.3(NF1):c.61-4dup

Gene: NF1 (neurofibromin 1; plus strand). Cytogenetic location: 17q11.2.
Variant type: Duplication.
Coding change: c.61-4dup on transcript NM_001042492.3 (MANE Select); 4 bases into the intron before coding-DNA position 61, one base duplicated (T; older notation c.61-4dupT).
Molecular consequence: intron variant.
Genome position (GRCh38, 1-based): chr17:31,155,979, T duplicated; the last of 9 consecutive T bases (chr17:31,155,971-31,155,979); duplicating any one gives the same sequence. VCF-style (leftmost placement, unchanged base first): chr17-31155970-C-CT. GRCh37 (hg19) VCF-style: chr17-29482988-C-CT.
Other names: c.61-4dup (NM_000267.4, NM_001128147.3, NM_000267.3); c.61-13_61-12insT (NM_000267.3); c.61-4dupT (NM_000267.3).
Identifiers: ClinVar variation 1197213 (VCV001197213.44), dbSNP rs551568608, ClinGen allele CA8485466.
Genomic context (GRCh38, chr17:31,155,970, plus strand): 5'-ATGGCAAGTAAGTTATTTATGGTCGTTTTTAAGGATAAGCTGTTAACGTGTTTTTTTTTT[C>CT]TTTTTTTTTCAGCTTCCAATAAAAACAGGACAGCAGAACACACATACCAAAGTCAGTACT-3'